The following is an entry in ClinVar:

ClinVar aggregate classification (germline): Uncertain significance (1 of 4 stars; one submission).

Allele frequency attached by ClinVar (database versions not stated): gnomAD exomes below 0.00001.
gnomAD v4.1: 1 of 1,613,586 alleles (0.000062%); highest among the groups gnomAD compares: Non-Finnish European, 0.000085%; no homozygotes.

Submission:

Labcorp Genetics (formerly Invitae), Labcorp
Classification: Uncertain significance. Last evaluated: 2022-11-15. Review status: criteria provided, single submitter. Criteria: Invitae Variant Classification Sherloc (09022015). Collection method: clinical testing. Allele origin: germline.
Comment: In summary, the available evidence is currently insufficient to determine the role of this variant in disease. Therefore, it has been classified as a Variant of Uncertain Significance. Algorithms developed to predict the effect of missense changes on protein structure and function are either unavailable or do not agree on the potential impact of this missense change (SIFT: "Deleterious"; PolyPhen-2: "Not Available"; Align-GVGD: "Class C0"). This variant has not been reported in the literature in individuals affected with PCLO-related conditions. This variant is not present in population databases (gnomAD no frequency). This sequence change replaces aspartic acid, which is acidic and polar, with valine, which is neutral and non-polar, at codon 4240 of the PCLO protein (p.Asp4240Val).

NM_033026.6(PCLO):c.12719A>T (p.Asp4240Val)

Gene: PCLO (piccolo presynaptic cytomatrix protein; minus strand). Cytogenetic location: 7q21.11.
Variant type: single nucleotide variant.
Coding change: c.12719A>T on transcript NM_033026.6 (MANE Select); coding-DNA position 12719, A replaced by T.
Protein change: p.Asp4240Val; replaces aspartic acid 4240 with valine.
Molecular consequence: missense variant.
Genome position (GRCh38, 1-based): chr7:82,915,267, T>A on the plus strand (A>T on the coding strand, the complement: PCLO is on the minus strand). VCF-style: chr7-82915267-T-A. GRCh37 (hg19) VCF-style: chr7-82544583-T-A.
Other names: c.12719A>T, p.Asp4240Val (NM_014510.3); short protein forms D4240V.
Identifiers: ClinVar variation 2004778 (VCV002004778.3), dbSNP rs2535547954, ClinGen allele CA367886522.
Genomic context (GRCh38, chr7:82,915,267, plus strand): 5'-AGAGAAGATCCCATAAATTTTTGTTGGTCTGTAATATTTTTTCTGAGGCCAAAAGTGATG[T>A]CATCTTGAAGGAGCCTTGCCCTGGAGGAAATGCCACCAATAGATGAAGTGCTAGAAGTCA-3'
Protein context (NP_149015.2, residues 4230-4250): ISSRARLLQD[Asp4240Val]ITFGLRKNIT